The following is an entry in ClinVar:

ClinVar aggregate classification (germline): Pathogenic (1 of 4 stars; one submission).

Conditions:
Short-rib thoracic dysplasia 10 with or without polydactyly (SRTD10). Identifiers: Orphanet 474, MedGen C3810175, MONDO:0014284, OMIM 615630.
Retinitis pigmentosa 71 (RP71). Identifiers: Orphanet 791, MedGen C4225342, MONDO:0014618, OMIM 616394.

Submission:

Labcorp Genetics (formerly Invitae), Labcorp
Classification: Pathogenic for Retinitis pigmentosa 71; Short-rib thoracic dysplasia 10 with or without polydactyly. Last evaluated: 2022-11-16. Review status: criteria provided, single submitter. Criteria: Invitae Variant Classification Sherloc (09022015). Collection method: clinical testing. Allele origin: unknown.
Comment: For these reasons, this variant has been classified as Pathogenic. This variant disrupts a region of the IFT172 protein in which other variant(s) (p.Cys1727Arg) have been determined to be pathogenic (PMID: 24140113, 25664603). This suggests that this is a clinically significant region of the protein, and that variants that disrupt it are likely to be disease-causing. This variant has not been reported in the literature in individuals affected with IFT172-related conditions. This variant is a gross deletion of the genomic region encompassing exon(s) 31-48 of the IFT172 gene, which includes the termination codon. This deletion extends beyond the assayed region for this gene and therefore may encompass additional genes. While this deletion is not anticipated to lead to nonsense mediated decay, it is expected to alter mRNA translation or result in a truncated protein product.

Literature cited by the submitters: PubMed 24140113; PubMed 25664603.

NC_000002.11:g.(?_27667299)_(27677547_?)del

Genes: IFT172 (intraflagellar transport 172; minus strand), KRTCAP3 (keratinocyte associated protein 3; plus strand). Cytogenetic location: 2p23.3.
Variant type: Deletion.
Identifiers: ClinVar variation 3247411 (VCV003247411.1).